The following is an entry in ClinVar:

NM_002875.5(RAD51):c.110A>T (p.Asp37Val)

Gene: RAD51 (RAD51 recombinase; plus strand). Cytogenetic location: 15q15.1.
Variant type: single nucleotide variant.
Coding change: c.110A>T on transcript NM_002875.5 (MANE Select); coding-DNA position 110, A replaced by T.
Protein change: p.Asp37Val; replaces aspartic acid 37 with valine.
Molecular consequence: missense variant.
Genome position (GRCh38, 1-based): chr15:40,701,086, A>T. VCF-style: chr15-40701086-A-T. GRCh37 (hg19) VCF-style: chr15-40993284-A-T.
Other names: c.110A>T, p.Asp37Val (NM_001164269.2, NM_001164270.2, NM_133487.4); short protein forms D37V.
Identifiers: ClinVar variation 2624691 (VCV002624691.2), dbSNP rs756092232, ClinGen allele CA7483920.

ClinVar aggregate classification (germline): Uncertain significance (1 of 4 stars; one submission).

Conditions:
Inborn genetic diseases. Identifiers: MedGen C0950123, MeSH D030342.

Allele frequency attached by ClinVar (database versions not stated): TOPMed 0.00001.
gnomAD v4.1: 1 of 1,614,264 alleles (0.000062%); highest among the groups gnomAD compares: African/African-American, 0.0013%; no homozygotes.

Submission:

Ambry Genetics
Classification: Uncertain significance for Inborn genetic diseases. Last evaluated: 2023-08-25. Review status: criteria provided, single submitter. Criteria: Ambry Variant Classification Scheme 2023. Collection method: clinical testing. Allele origin: germline.
Comment: The p.D37V variant (also known as c.110A>T), located in coding exon 2 of the RAD51 gene, results from an A to T substitution at nucleotide position 110. The aspartic acid at codon 37 is replaced by valine, an amino acid with highly dissimilar properties. This amino acid position is conserved. In addition, this alteration is predicted to be deleterious by in silico analysis. Since supporting evidence is limited at this time, the clinical significance of this alteration remains unclear.